The following is an entry in ClinVar:

NM_015272.5(RPGRIP1L):c.530G>A (p.Gly177Asp)

Gene: RPGRIP1L (RPGRIP1 like; minus strand). Cytogenetic location: 16q12.2.
Variant type: single nucleotide variant.
Coding change: c.530G>A on transcript NM_015272.5 (MANE Select); coding-DNA position 530, G replaced by A.
Protein change: p.Gly177Asp; replaces glycine 177 with aspartic acid.
Molecular consequence: missense variant.
Genome position (GRCh38, 1-based): chr16:53,687,965, C>T on the plus strand (G>A on the coding strand, the complement: RPGRIP1L is on the minus strand). VCF-style: chr16-53687965-C-T. GRCh37 (hg19) VCF-style: chr16-53721877-C-T.
Other names: c.530G>A, p.Gly177Asp (NM_001127897.4, NM_001308334.3, NM_001330538.2); c.530G>A (NM_015272.4); short protein forms G177D.
Identifiers: ClinVar variation 1314368 (VCV001314368.8), dbSNP rs987512823, ClinGen allele CA395924595.
Genomic context (GRCh38, chr16:53,687,965, plus strand): 5'-CCATATTTTGTAAACATGGGATGTGGAGTTTCTGCTACATCTGCATCTTGGAATTTTATA[C>T]CTAAAAACAAAGTAATAAAATATGATTACAGAATTGAAGTTAGAAAAGAAGGATCTTTGA-3'
Protein context (NP_056087.2, residues 167-187): NAGLQECPRK[Gly177Asp]IKFQDADVAE

ClinVar aggregate classification (germline): Uncertain significance. Review status: criteria provided, multiple submitters, no conflicts (2 of 4 stars). 5 submissions from 5 submitters: Uncertain significance (4). 1 of the submissions does not count toward it. Last evaluated 2024-05-30.

Conditions:
Meckel syndrome, type 5 (MKS5). Identifiers: Orphanet 564, MedGen C1969052, MONDO:0012695, OMIM 611561.
Joubert syndrome 7 (JBTS7). Identifiers: Orphanet 220497, MedGen C1969053, MONDO:0012694, OMIM 611560.
COACH syndrome 3. Identifiers: MedGen C5436841, MONDO:0030862, OMIM 619113.
Inborn genetic diseases. Identifiers: MedGen C0950123, MeSH D030342.
Meckel-Gruber syndrome. Also called: DYSENCEPHALIA SPLANCHNOCYSTICA; GRUBER SYNDROME; Dysencephalia splachnocystica. Identifiers: Orphanet 564, MedGen C0265215, MONDO:0018921.
Joubert syndrome. Also called: JOUBERT-BOLTSHAUSER SYNDROME; Familial aplasia of the vermis. Identifiers: Orphanet 475, MedGen C5979921, MONDO:0018772.
RPGRIP1L-related disorder. Also called: RPGRIP1L-related condition; RPGRIP1L-related disorders. Identifiers: MedGen CN239416.

gnomAD v4.1: 1 of 1,555,924 alleles (0.000064%); highest among the groups gnomAD compares: Admixed American, 0.0017%; no homozygotes.

Submissions (5):

Fulgent Genetics
Classification: Uncertain significance for Joubert syndrome 7; Meckel syndrome, type 5; COACH syndrome 3. Last evaluated: 2024-05-30. Review status: criteria provided, single submitter. Criteria: ACMG Guidelines, 2015. Collection method: clinical testing. Allele origin: germline.

Ambry Genetics
Classification: Uncertain significance for Inborn genetic diseases. Last evaluated: 2024-01-03. Review status: criteria provided, single submitter. Criteria: Ambry Variant Classification Scheme 2023. Collection method: clinical testing. Allele origin: germline.

Labcorp Genetics (formerly Invitae), Labcorp
Classification: Uncertain significance for Joubert syndrome; Meckel-Gruber syndrome. Last evaluated: 2022-03-06. Review status: criteria provided, single submitter. Criteria: Invitae Variant Classification Sherloc (09022015). Collection method: clinical testing. Allele origin: germline.
Comment: This sequence change replaces glycine, which is neutral and non-polar, with aspartic acid, which is acidic and polar, at codon 177 of the RPGRIP1L protein (p.Gly177Asp). This variant is not present in population databases (gnomAD no frequency). This variant has not been reported in the literature in individuals affected with RPGRIP1L-related conditions. ClinVar contains an entry for this variant (Variation ID: 1314368). Algorithms developed to predict the effect of missense changes on protein structure and function are either unavailable or do not agree on the potential impact of this missense change (SIFT: "Deleterious"; PolyPhen-2: "Possibly Damaging"; Align-GVGD: "Class C15"). In summary, the available evidence is currently insufficient to determine the role of this variant in disease. Therefore, it has been classified as a Variant of Uncertain Significance.

GeneDx
Classification: Uncertain significance. Last evaluated: 2021-04-05. Review status: criteria provided, single submitter. Criteria: GeneDx Variant Classification Process June 2021. Collection method: clinical testing. Allele origin: germline. Affected: yes.
Comment: Not observed in large population cohorts (Lek et al., 2016); In silico analysis supports that this missense variant has a deleterious effect on protein structure/function; Has not been previously published as pathogenic or benign to our knowledge

PreventionGenetics, part of Exact Sciences
Classification: Uncertain significance for RPGRIP1L-related condition. Last evaluated: 2024-04-29. Review status: no assertion criteria provided. Collection method: clinical testing. Allele origin: germline. Not counted in ClinVar's aggregate classification.
Comment: The RPGRIP1L c.530G>A variant is predicted to result in the amino acid substitution p.Gly177Asp. To our knowledge, this variant has not been reported in the literature or in gnomAD, indicating this variant is rare. At this time, the clinical significance of this variant is uncertain due to the absence of conclusive functional and genetic evidence.